The following is an entry in ClinVar:

NM_018089.3(ANKZF1):c.697T>C (p.Phe233Leu)

Gene: ANKZF1 (ankyrin repeat and zinc finger peptidyl tRNA hydrolase 1; plus strand). Cytogenetic location: 2q35.
Variant type: single nucleotide variant.
Coding change: c.697T>C on transcript NM_018089.3 (MANE Select); coding-DNA position 697, T replaced by C.
Protein change: p.Phe233Leu; replaces phenylalanine 233 with leucine.
Molecular consequence: missense variant.
Genome position (GRCh38, 1-based): chr2:219,233,311, T>C. VCF-style: chr2-219233311-T-C. GRCh37 (hg19) VCF-style: chr2-220098033-T-C.
Other names: c.697T>C, p.Phe233Leu (NM_001042410.2); c.67T>C, p.Phe23Leu (NM_001282792.2); short protein forms F23L, F233L.
Identifiers: ClinVar variation 1402154 (VCV001402154.8), dbSNP rs1951098090, ClinGen allele CA350675038.

ClinVar aggregate classification (germline): Uncertain significance (1 of 4 stars; one submission).

Allele frequency attached by ClinVar (database versions not stated): gnomAD exomes below 0.00001; gnomAD 0.00001.
gnomAD v4.1: 3 of 1,614,042 alleles (0.00019%); highest among the groups gnomAD compares: Admixed American, 0.0033%; no homozygotes.

Submission:

Labcorp Genetics (formerly Invitae), Labcorp
Classification: Uncertain significance. Last evaluated: 2022-03-25. Review status: criteria provided, single submitter. Criteria: Invitae Variant Classification Sherloc (09022015). Collection method: clinical testing. Allele origin: germline.
Comment: In summary, the available evidence is currently insufficient to determine the role of this variant in disease. Therefore, it has been classified as a Variant of Uncertain Significance. Algorithms developed to predict the effect of missense changes on protein structure and function are either unavailable or do not agree on the potential impact of this missense change (SIFT: "Deleterious"; PolyPhen-2: "Probably Damaging"; Align-GVGD: "Class C15"). This variant has not been reported in the literature in individuals affected with ANKZF1-related conditions. This variant is not present in population databases (gnomAD no frequency). This sequence change replaces phenylalanine, which is neutral and non-polar, with leucine, which is neutral and non-polar, at codon 233 of the ANKZF1 protein (p.Phe233Leu).